The following is an entry in ClinVar:

NM_006231.4(POLE):c.3582G>A (p.Gln1194=)

Gene: POLE (DNA polymerase epsilon, catalytic subunit; minus strand). Cytogenetic location: 12q24.33.
Variant type: single nucleotide variant.
Coding change: c.3582G>A on transcript NM_006231.4 (MANE Select); coding-DNA position 3582, G replaced by A.
Protein change: p.Gln1194=; no amino-acid change (glutamine 1194 retained).
Molecular consequence: synonymous variant.
Genome position (GRCh38, 1-based): chr12:132,657,136, C>T on the plus strand (G>A on the coding strand, the complement: POLE is on the minus strand). VCF-style: chr12-132657136-C-T. GRCh37 (hg19) VCF-style: chr12-133233722-C-T.
Identifiers: ClinVar variation 4781928 (VCV004781928.1).

ClinVar aggregate classification (germline): Uncertain significance (1 of 4 stars; one submission).

Submission:

Labcorp Genetics (formerly Invitae), Labcorp
Classification: Uncertain significance. Last evaluated: 2025-09-05. Review status: criteria provided, single submitter. Criteria: Invitae Variant Classification Sherloc (09022015). Collection method: clinical testing. Allele origin: germline.
Comment: This sequence change affects codon 1194 of the POLE mRNA. It is a 'silent' change, meaning that it does not change the encoded amino acid sequence of the POLE protein. This variant also falls at the last nucleotide of exon 29, which is part of the consensus splice site for this exon. This variant is not present in population databases (gnomAD no frequency). This variant has not been reported in the literature in individuals affected with POLE-related conditions. Variants that disrupt the consensus splice site are a relatively common cause of aberrant splicing (PMID: 17576681, 9536098). Algorithms developed to predict the effect of sequence changes on RNA splicing suggest that this variant may disrupt the consensus splice site. In summary, the available evidence is currently insufficient to determine the role of this variant in disease. Therefore, it has been classified as a Variant of Uncertain Significance.

Literature cited by the submitters: PubMed 17576681; PubMed 9536098.